The following is an entry in ClinVar:

NM_000075.4(CDK4):c.85G>A (p.Gly29Ser)

Gene: CDK4 (cyclin dependent kinase 4; minus strand). Cytogenetic location: 12q14.1.
Variant type: single nucleotide variant.
Coding change: c.85G>A on transcript NM_000075.4 (MANE Select); coding-DNA position 85, G replaced by A.
Protein change: p.Gly29Ser; replaces glycine 29 with serine.
Molecular consequence: missense variant.
Genome position (GRCh38, 1-based): chr12:57,751,633, C>T on the plus strand (G>A on the coding strand, the complement: CDK4 is on the minus strand). VCF-style: chr12-57751633-C-T. GRCh37 (hg19) VCF-style: chr12-58145416-C-T.
Other names: short protein forms G29S.
Identifiers: ClinVar variation 1764006 (VCV001764006.3), dbSNP rs1955238835, ClinGen allele CA385548950.
Genomic context (GRCh38, chr12:57,751,633, plus strand): 5'-GGCCTCCTCCACCTCCTCCTCCATTGGGGACTCTCACACTCTTGAGGGCCACAAAGTGGC[C>T]ACTGTGGGGATCACGGGCCTTGTACACTGTCCCATAGGCACCGACACCAATTTCAGCCAC-3'
Protein context (NP_000066.1, residues 19-39): TVYKARDPHS[Gly29Ser]HFVALKSVRV

ClinVar aggregate classification (germline): Uncertain significance (1 of 4 stars; one submission).

Conditions:
Hereditary cancer-predisposing syndrome. Also called: Neoplastic Syndromes, Hereditary; Tumor predisposition; Hereditary Cancer Syndrome; Hereditary neoplastic syndrome. Identifiers: Orphanet 140162, MedGen C0027672, MeSH D009386, MONDO:0015356.

Submission:

Ambry Genetics
Classification: Uncertain significance for Hereditary cancer-predisposing syndrome. Last evaluated: 2023-06-06. Review status: criteria provided, single submitter. Criteria: Ambry Variant Classification Scheme 2023. Collection method: clinical testing. Allele origin: germline.
Comment: The p.G29S variant (also known as c.85G>A), located in coding exon 1 of the CDK4 gene, results from a G to A substitution at nucleotide position 85. The glycine at codon 29 is replaced by serine, an amino acid with similar properties. This amino acid position is highly conserved in available vertebrate species. In addition, the in silico prediction for this alteration is inconclusive. Since supporting evidence is limited at this time, the clinical significance of this alteration remains unclear.